The following is an entry in ClinVar:

ClinVar aggregate classification (germline): Uncertain significance. Review status: criteria provided, multiple submitters, no conflicts (2 of 4 stars). 5 submissions from 5 submitters: Uncertain significance (5). Last evaluated 2025-06-29.

Conditions:
Cardiovascular phenotype. Identifiers: MedGen CN230736.
Arrhythmogenic right ventricular dysplasia 5. Also called: Arrhythmogenic Right Ventricular Dysplasia/Cardiomyopathy 5; ARRHYTHMOGENIC RIGHT VENTRICULAR DYSPLASIA, FAMILIAL, 5. Identifiers: MedGen C1858379, MONDO:0011459, OMIM 604400.
Cardiomyopathy (CMYO). Also called: Cardiomyopathies. Identifiers: Orphanet 167848, MedGen C0878544, MONDO:0004994, HP:0001638. Inheritance: Various modes of inheritance.

Allele frequency attached by ClinVar (database versions not stated): gnomAD exomes below 0.00001 and 0.00001; ExAC 0.00001.
gnomAD v4.1: 8 of 1,613,964 alleles (0.0005%); highest among the groups gnomAD compares: Middle Eastern, 0.017%; no homozygotes.

Submissions (5):

Labcorp Genetics (formerly Invitae), Labcorp
Classification: Uncertain significance for Arrhythmogenic right ventricular dysplasia 5. Last evaluated: 2025-06-29. Review status: criteria provided, single submitter. Criteria: Invitae Variant Classification Sherloc (09022015). Collection method: clinical testing. Allele origin: germline.
Comment: This sequence change replaces histidine, which is basic and polar, with arginine, which is basic and polar, at codon 167 of the TMEM43 protein (p.His167Arg). This variant is present in population databases (rs775986881, gnomAD 0.002%). This variant has not been reported in the literature in individuals affected with TMEM43-related conditions. ClinVar contains an entry for this variant (Variation ID: 1059209). Invitae Evidence Modeling of protein sequence and biophysical properties (such as structural, functional, and spatial information, amino acid conservation, physicochemical variation, residue mobility, and thermodynamic stability) indicates that this missense variant is expected to disrupt TMEM43 protein function with a positive predictive value of 80%. In summary, the available evidence is currently insufficient to determine the role of this variant in disease. Therefore, it has been classified as a Variant of Uncertain Significance.

Color Diagnostics, LLC DBA Color Health
Classification: Uncertain significance for Cardiomyopathy. Last evaluated: 2024-03-06. Review status: criteria provided, single submitter. Criteria: ACMG Guidelines, 2015. Collection method: clinical testing. Allele origin: germline.
Comment: This missense variant replaces histidine with arginine at codon 167 of the TMEM43 protein. Computational prediction is inconclusive regarding the impact of this variant on protein structure and function (internally defined REVEL score threshold 0.5 < inconclusive < 0.7, PMID: 27666373). To our knowledge, functional studies have not been reported for this variant. This variant has not been reported in individuals affected with cardiovascular disorders in the literature. This variant has been identified in 2/251448 chromosomes in the general population by the Genome Aggregation Database (gnomAD). The available evidence is insufficient to determine the role of this variant in disease conclusively. Therefore, this variant is classified as a Variant of Uncertain Significance.

Clinical Genetics Laboratory, Skane University Hospital Lund
Classification: Uncertain significance. Last evaluated: 2023-09-25. Review status: criteria provided, single submitter. Criteria: ACMG Guidelines, 2015. Collection method: clinical testing. Allele origin: germline. Affected: yes.

Ambry Genetics
Classification: Uncertain significance for Cardiovascular phenotype. Last evaluated: 2023-01-16. Review status: criteria provided, single submitter. Criteria: Ambry Variant Classification Scheme 2023. Collection method: clinical testing. Allele origin: germline.
Comment: The p.H167R variant (also known as c.500A>G), located in coding exon 6 of the TMEM43 gene, results from an A to G substitution at nucleotide position 500. The histidine at codon 167 is replaced by arginine, an amino acid with highly similar properties. This amino acid position is conserved. In addition, this alteration is predicted to be deleterious by in silico analysis. Since supporting evidence is limited at this time, the clinical significance of this alteration remains unclear.

GeneDx
Classification: Uncertain significance. Last evaluated: 2021-02-10. Review status: criteria provided, single submitter. Criteria: GeneDx Variant Classification Process June 2021. Collection method: clinical testing. Allele origin: germline. Affected: yes.
Comment: Has not been previously published as pathogenic or benign to our knowledge; Not observed at a significant frequency in large population cohorts (Lek et al., 2016); In silico analyses, including protein predictors and evolutionary conservation, support a deleterious effect

NM_024334.3(TMEM43):c.500A>G (p.His167Arg)

Gene: TMEM43 (transmembrane protein 43; plus strand). Cytogenetic location: 3p25.1.
Variant type: single nucleotide variant.
Coding change: c.500A>G on transcript NM_024334.3 (MANE Select); coding-DNA position 500, A replaced by G.
Protein change: p.His167Arg; replaces histidine 167 with arginine.
Molecular consequence: missense variant.
Genome position (GRCh38, 1-based): chr3:14,132,923, A>G. VCF-style: chr3-14132923-A-G. GRCh37 (hg19) VCF-style: chr3-14174423-A-G.
Other names: short protein forms H167R.
Identifiers: ClinVar variation 1059209 (VCV001059209.14), dbSNP rs775986881, ClinGen allele CA053990.